The following is an entry in ClinVar:

NM_003334.4(UBA1):c.1791G>A (p.Glu597=)

Gene: UBA1 (ubiquitin like modifier activating enzyme 1; plus strand). Cytogenetic location: Xp11.3.
Variant type: single nucleotide variant.
Coding change: c.1791G>A on transcript NM_003334.4 (MANE Select); coding-DNA position 1791, G replaced by A.
Protein change: p.Glu597=; no amino-acid change (glutamic acid 597 retained).
Molecular consequence: synonymous variant.
Genome position (GRCh38, 1-based): chrX:47,206,297, G>A. VCF-style: chrX-47206297-G-A. GRCh37 (hg19) VCF-style: chrX-47065696-G-A.
Other names: c.1791G>A, p.Glu597= (NM_153280.3).
Identifiers: ClinVar variation 511094 (VCV000511094.15), dbSNP rs372366129, ClinGen allele CA10396005.

ClinVar aggregate classification (germline): Benign/Likely benign. Review status: criteria provided, multiple submitters, no conflicts (2 of 4 stars). 5 submissions from 5 submitters: Benign (1); Likely benign (4). Last evaluated 2025-08-06.

Conditions:
Inborn genetic diseases. Identifiers: MedGen C0950123, MeSH D030342.
Infantile-onset X-linked spinal muscular atrophy. Also called: Spinal muscular atrophy, X-linked 2; AMC, DISTAL, X-LINKED; ARTHROGRYPOSIS, X-LINKED, TYPE I; SPINAL MUSCULAR ATROPHY, X-LINKED LETHAL INFANTILE; Spinal Muscular Atrophy, X-Linked Infantile. Identifiers: Orphanet 1145, MedGen C1844934, MONDO:0010532, OMIM 301830.
UBA1-related disorder. Also called: UBA1-related condition.

Allele frequency attached by ClinVar (database versions not stated): TOPMed 0.00004; gnomAD 0.00005; gnomAD exomes 0.00007 and 0.00008; ESP Exome Variant Server 0.00009; ExAC 0.00016.
gnomAD v4.1: 97 of 1,209,424 alleles (0.008%); highest among the groups gnomAD compares: Non-Finnish European, 0.01%; no homozygotes.

Submissions (5):

PreventionGenetics, part of Exact Sciences
Classification: Likely benign for UBA1-related condition. Last evaluated: 2025-08-06. Review status: criteria provided, single submitter. Criteria: ACMG Guidelines, 2015. Collection method: clinical testing. Allele origin: germline.
Comment: This variant is classified as likely benign based on ACMG/AMP sequence variant interpretation guidelines (Richards et al. 2015 PMID: 25741868, with internal and published modifications).

Labcorp Genetics (formerly Invitae), Labcorp
Classification: Benign for Infantile-onset X-linked spinal muscular atrophy. Last evaluated: 2025-07-28. Review status: criteria provided, single submitter. Criteria: Invitae Variant Classification Sherloc (09022015). Collection method: clinical testing. Allele origin: germline.

Blueprint Genetics
Classification: Likely benign. Last evaluated: 2022-10-18. Review status: criteria provided, single submitter. Criteria: ACMG Guidelines, 2015. Collection method: clinical testing. Allele origin: germline.

Ambry Genetics
Classification: Likely benign for Inborn genetic diseases. Last evaluated: 2019-07-11. Review status: criteria provided, single submitter. Criteria: Ambry Variant Classification Scheme 2023. Collection method: clinical testing. Allele origin: germline.

GeneDx
Classification: Likely benign. Last evaluated: 2017-07-28. Review status: criteria provided, single submitter. Criteria: GeneDx Variant Classification (06012015). Collection method: clinical testing. Allele origin: germline. Affected: yes.
Comment: This variant is considered likely benign or benign based on one or more of the following criteria: it is a conservative change, it occurs at a poorly conserved position in the protein, it is predicted to be benign by multiple in silico algorithms, and/or has population frequency not consistent with disease.